The following is an entry in ClinVar:

NM_003477.3(PDHX):c.507C>G (p.Ile169Met)

Gene: PDHX (pyruvate dehydrogenase complex component X; plus strand). Cytogenetic location: 11p13.
Variant type: single nucleotide variant.
Coding change: c.507C>G on transcript NM_003477.3 (MANE Select); coding-DNA position 507, C replaced by G.
Protein change: p.Ile169Met; replaces isoleucine 169 with methionine.
Molecular consequence: missense variant. On other transcripts: intron variant (1).
Genome position (GRCh38, 1-based): chr11:34,957,548, C>G. VCF-style: chr11-34957548-C-G. GRCh37 (hg19) VCF-style: chr11-34979095-C-G.
Other names: c.327C>G, p.Ile109Met (NM_001135024.2); c.342+9942C>G (NM_001166158.2); short protein forms I109M, I169M.
Identifiers: ClinVar variation 2507160 (VCV002507160.1), dbSNP rs79170416, ClinGen allele CA380118649.

ClinVar aggregate classification (germline): Uncertain significance (1 of 4 stars; one submission).

gnomAD v4.1: 1 of 1,613,944 alleles (0.000062%); highest among the groups gnomAD compares: Non-Finnish European, 0.000085%; no homozygotes.

Submission:

GeneDx
Classification: Uncertain significance. Last evaluated: 2023-06-22. Review status: criteria provided, single submitter. Criteria: GeneDx Variant Classification Process June 2021. Collection method: clinical testing. Allele origin: germline. Affected: yes.
Comment: Not observed at significant frequency in large population cohorts (gnomAD); In silico analysis supports that this missense variant does not alter protein structure/function; Has not been previously published as pathogenic or benign to our knowledge